The following is an entry in ClinVar:

ClinVar aggregate classification (germline): Benign/Likely benign. Review status: criteria provided, multiple submitters, no conflicts (2 of 4 stars). 3 submissions from 3 submitters: Benign (1); Likely benign (1). 1 of the submissions does not count toward it. Last evaluated 2025-10-06.

Conditions:
AQP1-related disorder. Also called: AQP1-related condition.

Allele frequency attached by ClinVar (database versions not stated): gnomAD 0.00068 and 0.00045; TOPMed 0.00082; ExAC 0.00130; gnomAD exomes 0.00136; ESP Exome Variant Server 0.00008; 1000 Genomes Project 30x 0.00265; 1000 Genomes Project 0.00280.
gnomAD v4.1: 672 of 1,613,344 alleles (0.042%); highest among the groups gnomAD compares: East Asian, 1.2%; 5 homozygotes.

Submissions (3):

Labcorp Genetics (formerly Invitae), Labcorp
Classification: Benign. Last evaluated: 2025-10-06. Review status: criteria provided, single submitter. Criteria: Invitae Variant Classification Sherloc (09022015). Collection method: clinical testing. Allele origin: germline.

Blueprint Genetics
Classification: Likely benign. Last evaluated: 2024-11-27. Review status: criteria provided, single submitter. Criteria: ACMG Guidelines, 2015. Collection method: clinical testing. Allele origin: germline.

PreventionGenetics, part of Exact Sciences
Classification: Benign for AQP1-related condition. Last evaluated: 2019-10-22. Review status: no assertion criteria provided. Collection method: clinical testing. Allele origin: germline. Not counted in ClinVar's aggregate classification.
Comment: This variant is classified as benign based on ACMG/AMP sequence variant interpretation guidelines (Richards et al. 2015 PMID: 25741868, with internal and published modifications).

NM_198098.4(AQP1):c.180C>T (p.Ile60=)

Gene: AQP1 (aquaporin 1 (Colton blood group); plus strand). Cytogenetic location: 7p14.3.
Variant type: single nucleotide variant.
Coding change: c.180C>T on transcript NM_198098.4 (MANE Select); coding-DNA position 180, C replaced by T.
Protein change: p.Ile60=; no amino-acid change (isoleucine 60 retained).
Molecular consequence: synonymous variant.
Genome position (GRCh38, 1-based): chr7:30,912,089, C>T. VCF-style: chr7-30912089-C-T. GRCh37 (hg19) VCF-style: chr7-30951704-C-T.
Other names: c.180C>T, p.Ile60= (NM_001329872.2).
Identifiers: ClinVar variation 707973 (VCV000707973.12), dbSNP rs11537656, ClinGen allele CA4208060.